The following is an entry in ClinVar:

ClinVar aggregate classification (germline): Uncertain significance. Review status: criteria provided, multiple submitters, no conflicts (2 of 4 stars). 2 submissions from 2 submitters: Uncertain significance (2). Last evaluated 2026-03-02.

Conditions:
Mowat-Wilson syndrome (MOWS). Also called: Classic Mowat-Wilson Syndrome. Identifiers: Orphanet 2152, MedGen C1856113, MONDO:0009341, OMIM 235730.

Submissions (2):

GeneDx
Classification: Uncertain significance. Last evaluated: 2026-03-02. Review status: criteria provided, single submitter. Criteria: GeneDx Variant Classification Process June 2021. Collection method: clinical testing. Allele origin: germline.
Comment: Not observed at significant frequency in large population cohorts (gnomAD); In silico analysis suggests that this missense variant does not alter protein structure/function; Has not been previously published as pathogenic or benign to our knowledge

Labcorp Genetics (formerly Invitae), Labcorp
Classification: Uncertain significance for Mowat-Wilson syndrome. Last evaluated: 2022-10-05. Review status: criteria provided, single submitter. Criteria: Invitae Variant Classification Sherloc (09022015). Collection method: clinical testing. Allele origin: germline.
Comment: In summary, the available evidence is currently insufficient to determine the role of this variant in disease. Therefore, it has been classified as a Variant of Uncertain Significance. This sequence change replaces glutamic acid, which is acidic and polar, with alanine, which is neutral and non-polar, at codon 1168 of the ZEB2 protein (p.Glu1168Ala). This variant is not present in population databases (gnomAD no frequency). This variant has not been reported in the literature in individuals affected with ZEB2-related conditions. ClinVar contains an entry for this variant (Variation ID: 1481867). Advanced modeling of protein sequence and biophysical properties (such as structural, functional, and spatial information, amino acid conservation, physicochemical variation, residue mobility, and thermodynamic stability) performed at Invitae indicates that this missense variant is not expected to disrupt ZEB2 protein function.

NM_014795.4(ZEB2):c.3503A>C (p.Glu1168Ala)

Gene: ZEB2 (zinc finger E-box binding homeobox 2; minus strand). Cytogenetic location: 2q22.3.
Variant type: single nucleotide variant.
Coding change: c.3503A>C on transcript NM_014795.4 (MANE Select); coding-DNA position 3503, A replaced by C.
Protein change: p.Glu1168Ala; replaces glutamic acid 1168 with alanine.
Molecular consequence: missense variant.
Genome position (GRCh38, 1-based): chr2:144,389,593, T>G on the plus strand (A>C on the coding strand, the complement: ZEB2 is on the minus strand). VCF-style: chr2-144389593-T-G. GRCh37 (hg19) VCF-style: chr2-145147160-T-G.
Other names: c.3431A>C, p.Glu1144Ala (NM_001171653.2); c.3503A>C (NM_014795.3); short protein forms E1144A, E1168A.
Identifiers: ClinVar variation 1481867 (VCV001481867.9), dbSNP rs2149872446, ClinGen allele CA348699147.
Genomic context (GRCh38, chr2:144,389,593, plus strand): 5'-TGATCTCCAGTCTCTTCTTCATCTCGTATCGTTTCGGGATCCGTATCCATACTTTTATTT[T>G]CACTTTCTTCCTCTTCCTCCTCGAACTCCTCGTCGCCATCCTGTCTGCCCAGCTTCCCGT-3'
Protein context (NP_055610.1, residues 1158-1178): EEFEEEEEES[Glu1168Ala]NKSMDTDPET